The following is an entry in ClinVar:

NM_000651.6(CR1):c.922C>T (p.Arg308Cys)

Gene: CR1 (complement C3b/C4b receptor 1 (Knops blood group); plus strand). Cytogenetic location: 1q32.2.
Variant type: single nucleotide variant.
Coding change: c.922C>T on transcript NM_000651.6 (MANE Select); coding-DNA position 922, C replaced by T.
Protein change: p.Arg308Cys; replaces arginine 308 with cysteine.
Molecular consequence: missense variant.
Genome position (GRCh38, 1-based): chr1:207,526,788, C>T. VCF-style: chr1-207526788-C-T. GRCh37 (hg19) VCF-style: chr1-207700133-C-T.
Other names: c.922C>T, p.Arg308Cys (NM_000573.4); short protein forms R308C.
Identifiers: ClinVar variation 2391261 (VCV002391261.27), dbSNP rs200399748, ClinGen allele CA1369551.

ClinVar aggregate classification (germline): Conflicting classifications of pathogenicity. Review status: criteria provided, conflicting classifications (1 of 4 stars). 2 submissions from 2 submitters: Uncertain significance (1); Likely benign (1). Last evaluated 2024-10-08.

Allele frequency attached by ClinVar (database versions not stated): ESP Exome Variant Server 0.00009; gnomAD 0.00010; ExAC 0.00017; gnomAD exomes 0.00023.
gnomAD v4.1: 326 of 1,517,564 alleles (0.021%); highest among the groups gnomAD compares: Non-Finnish European, 0.028%; 40 homozygotes.

Submissions (2):

Ambry Genetics
Classification: Uncertain significance. Last evaluated: 2024-10-08. Review status: criteria provided, single submitter. Criteria: Ambry Variant Classification Scheme 2023. Collection method: clinical testing. Allele origin: germline.

CeGaT Center for Human Genetics Tuebingen
Classification: Likely benign. Last evaluated: 2023-01-01. Review status: criteria provided, single submitter. Criteria: CeGaT Center For Human Genetics Tuebingen Variant Classification Criteria Version 2. Collection method: clinical testing. Allele origin: germline. Affected: yes. Observed: 1 variant allele.
Comment: CR1: PP2, BP4, BS2